The following is an entry in ClinVar:

NM_005909.5(MAP1B):c.2849A>T (p.Glu950Val)

Gene: MAP1B (microtubule associated protein 1B; plus strand). Cytogenetic location: 5q13.2.
Variant type: single nucleotide variant.
Coding change: c.2849A>T on transcript NM_005909.5 (MANE Select); coding-DNA position 2849, A replaced by T.
Protein change: p.Glu950Val; replaces glutamic acid 950 with valine.
Molecular consequence: missense variant.
Genome position (GRCh38, 1-based): chr5:72,196,204, A>T. VCF-style: chr5-72196204-A-T. GRCh37 (hg19) VCF-style: chr5-71492031-A-T.
Other names: c.2471A>T, p.Glu824Val (NM_001324255.2); short protein forms E824V, E950V.
Identifiers: ClinVar variation 2585511 (VCV002585511.1), dbSNP rs2478573685, ClinGen allele CA360008884.
Genomic context (GRCh38, chr5:72,196,204, plus strand): 5'-GAGCCGGTTTTGAAGAATCTTCAGAGACTGGAGACTATGAAGAGAAGGCAGAAACTGAGG[A>T]GGCTGAGGAGCCAGAAGAGGATGGGGAGGAACACGTATGTGTGAGCGCCTCCAAGCACAG-3'
Protein context (NP_005900.2, residues 940-960): GDYEEKAETE[Glu950Val]AEEPEEDGEE

ClinVar aggregate classification (germline): Uncertain significance (1 of 4 stars; one submission).

Conditions:
Periventricular nodular heterotopia 9. Identifiers: MedGen C5394503, MONDO:0030061, OMIM 618918.

Submission:

Neuberg Centre For Genomic Medicine, NCGM
Classification: Uncertain significance for Periventricular nodular heterotopia 9. Review status: criteria provided, single submitter. Criteria: ACMG Guidelines, 2015. Collection method: clinical testing. Allele origin: germline. Inheritance: Autosomal dominant inheritance. Affected: yes.
Comment: The missense variant p.E950V in MAP1B (NM_005909.5) has not been reported previously as a pathogenic variant nor as a benign variant, to our knowledge. The p.E950V variant is novel (not in any individuals) in gnomAD Exomes and is novel (not in any individuals) in 1000 Genomes. There is a moderate physicochemical difference between glutamic acid and valine. The p.E950V missense variant is predicted to be damaging by both SIFT and PolyPhen2. The nucleotide c.2849 in MAP1B is predicted conserved by GERP++ and PhyloP across 100 vertebrates. For these reasons, this variant has been classified as Uncertain Significance.